The following is an entry in ClinVar:

ClinVar aggregate classification (germline): Pathogenic (1 of 4 stars; one submission).

Submission:

Labcorp Genetics (formerly Invitae), Labcorp
Classification: Pathogenic. Last evaluated: 2023-02-14. Review status: criteria provided, single submitter. Criteria: Invitae Variant Classification Sherloc (09022015). Collection method: clinical testing. Allele origin: germline.
Comment: This sequence change creates a premature translational stop signal (p.Leu1907Tyrfs*2) in the ATR gene. It is expected to result in an absent or disrupted protein product. Loss-of-function variants in ATR are known to be pathogenic (PMID: 21228398, 23144622). This variant is not present in population databases (gnomAD no frequency). This variant has not been reported in the literature in individuals affected with ATR-related conditions. For these reasons, this variant has been classified as Pathogenic.

Literature cited by the submitters: PubMed 21228398; PubMed 23144622.

NM_001184.4(ATR):c.5720del (p.Leu1907fs)

Gene: ATR (ATR checkpoint kinase; minus strand). Cytogenetic location: 3q23.
Variant type: Deletion.
Coding change: c.5720del on transcript NM_001184.4 (MANE Select); coding-DNA position 5720, one base deleted (T; older notation c.5720delT).
Protein change: p.Leu1907fs; shifts the reading frame from leucine 1907.
Molecular consequence: frameshift variant.
Genome position (GRCh38, 1-based): chr3:142,497,031, A deleted on the plus strand (T on the coding strand, the reverse complement: ATR is on the minus strand); the first of 3 consecutive A bases (chr3:142,497,031-142,497,033); deleting any one gives the same sequence. VCF-style (leftmost placement, unchanged base first): chr3-142497030-TA-T. GRCh37 (hg19) VCF-style: chr3-142215872-TA-T.
Other names: c.5528del, p.Leu1843fs (NM_001354579.2); short protein forms L1907fs, L1843fs.
Identifiers: ClinVar variation 2163635 (VCV002163635.4), dbSNP rs2473157747, ClinGen allele CA2577924962.
Genomic context (GRCh38, chr3:142,497,030, plus strand): 5'-ATTCAAGATAAGTGACATTTTTAAAAAAAGTAGTGTGAGAAACCTTTTGTTGAGGCTTAG[TA>T]AAGCCCTCCGGAGAGCCAGGATAGGCTCCTTGGCTCTGTAGGAATTCTGGGTCATTTCTA-3'